The following is an entry in ClinVar:

ClinVar aggregate classification (germline): Benign/Likely benign. Review status: criteria provided, multiple submitters, no conflicts (2 of 4 stars). 6 submissions from 6 submitters: Benign (5); Likely benign (1). Last evaluated 2026-02-01.

Allele frequency attached by ClinVar (database versions not stated): 1000 Genomes Project 30x 0.03201; 1000 Genomes Project 0.03275; TOPMed 0.05736; ESP Exome Variant Server 0.05859; gnomAD 0.06645.
gnomAD v4.1: 122,245 of 1,614,140 alleles (7.6%); highest among the groups gnomAD compares: Non-Finnish European, 8.7%; 5,126 homozygotes.

Submissions (6):

Labcorp Genetics (formerly Invitae), Labcorp
Classification: Benign. Last evaluated: 2026-02-01. Review status: criteria provided, single submitter. Criteria: Invitae Variant Classification Sherloc (09022015). Collection method: clinical testing. Allele origin: germline.

ARUP Laboratories, Molecular Genetics and Genomics, ARUP Laboratories
Classification: Benign. Last evaluated: 2025-07-31. Review status: criteria provided, single submitter. Criteria: ARUP Molecular Germline Variant Investigation Process 2024. Collection method: clinical testing. Allele origin: germline.

GeneDx
Classification: Benign. Last evaluated: 2019-08-23. Review status: criteria provided, single submitter. Criteria: GeneDx Variant Classification Process June 2021. Collection method: clinical testing. Allele origin: germline. Affected: yes.
Comment: This variant is associated with the following publications: (PMID: 31180159, 29396846)

Mayo Clinic Laboratories, Mayo Clinic
Classification: Benign. Last evaluated: 2016-04-26. Review status: criteria provided, single submitter. Criteria: ACMG Guidelines, 2015. Collection method: clinical testing. Allele origin: germline. Observed: 303 variant alleles.

Breakthrough Genomics
Classification: Likely benign. Review status: criteria provided, single submitter. Criteria: ACMG Guidelines, 2015. Collection method: not provided. Allele origin: germline. Inheritance: Autosomal dominant inheritance. Affected: yes.

PreventionGenetics, part of Exact Sciences
Classification: Benign. Review status: criteria provided, single submitter. Criteria: ACMG Guidelines, 2015. Collection method: clinical testing. Allele origin: germline.

NM_001355436.2(SPTB):c.4208G>A (p.Arg1403Gln)

Gene: SPTB (spectrin beta, erythrocytic; minus strand). Cytogenetic location: 14q23.3.
Variant type: single nucleotide variant.
Coding change: c.4208G>A on transcript NM_001355436.2 (MANE Select); coding-DNA position 4208, G replaced by A.
Protein change: p.Arg1403Gln; replaces arginine 1403 with glutamine.
Molecular consequence: missense variant.
Genome position (GRCh38, 1-based): chr14:64,782,348, C>T on the plus strand (G>A on the coding strand, the complement: SPTB is on the minus strand). VCF-style: chr14-64782348-C-T. GRCh37 (hg19) VCF-style: chr14-65249066-C-T.
Other names: NM_000347.5:c.4208G>A; c.4208G>A, p.Arg1403Gln (NM_001024858.4, NM_001355437.2); short protein forms R1403Q.
Identifiers: ClinVar variation 257114 (VCV000257114.32), dbSNP rs17180350, ClinGen allele CA7230380.